The following is an entry in ClinVar:

NM_000222.3(KIT):c.430A>G (p.Thr144Ala)

Gene: KIT (KIT proto-oncogene, receptor tyrosine kinase; plus strand). Cytogenetic location: 4q12.
Variant type: single nucleotide variant.
Coding change: c.430A>G on transcript NM_000222.3 (MANE Select); coding-DNA position 430, A replaced by G.
Protein change: p.Thr144Ala; replaces threonine 144 with alanine.
Molecular consequence: missense variant.
Genome position (GRCh38, 1-based): chr4:54,698,376, A>G. VCF-style: chr4-54698376-A-G. GRCh37 (hg19) VCF-style: chr4-55564542-A-G.
Other names: c.430A>G, p.Thr144Ala (NM_001093772.2, NM_001385284.1, NM_001385285.1 and 4 more transcripts); short protein forms T144A.
Identifiers: ClinVar variation 458948 (VCV000458948.8), dbSNP rs758120380, ClinGen allele CA2923242.

ClinVar aggregate classification (germline): Uncertain significance. Review status: criteria provided, multiple submitters, no conflicts (2 of 4 stars). 2 submissions from 2 submitters: Uncertain significance (2). Last evaluated 2024-10-19.

Conditions:
Gastrointestinal stromal tumor. Also called: Gastrointestinal stroma tumor; Gastrointestinal stromal tumor, somatic. Identifiers: Orphanet 44890, MedGen C0238198, MeSH D046152, MONDO:0011719, OMIM 606764, HP:0100723.
Hereditary cancer-predisposing syndrome. Also called: Tumor predisposition; Hereditary neoplastic syndrome; Neoplastic Syndromes, Hereditary; Hereditary Cancer Syndrome. Identifiers: Orphanet 140162, MedGen C0027672, MeSH D009386, MONDO:0015356.

Allele frequency attached by ClinVar (database versions not stated): gnomAD exomes below 0.00001; ExAC 0.00001.
gnomAD v4.1: 1 of 1,614,148 alleles (0.000062%); highest among the groups gnomAD compares: Non-Finnish European, 0.000085%; no homozygotes.

Submissions (2):

Ambry Genetics
Classification: Uncertain significance for Hereditary cancer-predisposing syndrome. Last evaluated: 2024-10-19. Review status: criteria provided, single submitter. Criteria: Ambry Variant Classification Scheme 2023. Collection method: clinical testing. Allele origin: germline.
Comment: The p.T144A variant (also known as c.430A>G), located in coding exon 3 of the KIT gene, results from an A to G substitution at nucleotide position 430. The threonine at codon 144 is replaced by alanine, an amino acid with similar properties. This amino acid position is conserved. In addition, this alteration is predicted to be tolerated by in silico analysis. Based on the available evidence, the clinical significance of this variant remains unclear.

Labcorp Genetics (formerly Invitae), Labcorp
Classification: Uncertain significance for Gastrointestinal stromal tumor. Last evaluated: 2023-04-27. Review status: criteria provided, single submitter. Criteria: Invitae Variant Classification Sherloc (09022015). Collection method: clinical testing. Allele origin: germline.
Comment: In summary, the available evidence is currently insufficient to determine the role of this variant in disease. Therefore, it has been classified as a Variant of Uncertain Significance. An algorithm developed to predict the effect of missense changes on protein structure and function (PolyPhen-2) suggests that this variant¬† is likely to be tolerated. ClinVar contains an entry for this variant (Variation ID: 458948). This variant has not been reported in the literature in individuals affected with KIT-related conditions. This variant is present in population databases (rs758120380, gnomAD 0.0009%). This sequence change replaces threonine, which is neutral and polar, with alanine, which is neutral and non-polar, at codon 144 of the KIT protein (p.Thr144Ala).